The following is an entry in ClinVar:

ClinVar aggregate classification (germline): Pathogenic/Likely pathogenic. Review status: criteria provided, multiple submitters, no conflicts (2 of 4 stars). 26 submissions from 26 submitters: Pathogenic (5); Likely pathogenic (20). 1 of the submissions does not count toward it. Last evaluated 2026-08-10.

Conditions:
Cardiovascular phenotype. Identifiers: MedGen CN230736.
KCNQ1-related disorder. Also called: KCNQ1-related condition; KCNQ1-related disorders. Identifiers: MedGen CN239322.
Cardiac arrhythmia. Also called: Arrhythmia; Cardiac rhythm disease. Identifiers: MedGen C0003811, MONDO:0007263, HP:0011675.
Atrial fibrillation, familial, 3 (ATFB3). Identifiers: MedGen C1837014, MONDO:0011857, OMIM 607554.
Long QT syndrome 1 (LQT1). Identifiers: Orphanet 101016, Orphanet 768, MedGen C4551647, MONDO:0100316, OMIM 192500, MONDO:0008646.
Short QT syndrome type 2. Identifiers: Orphanet 51083, MedGen C1865019, MONDO:0012313, OMIM 609621.
Familial long QT syndrome (RWS). Also called: Congenital long QT syndrome; Romano-Ward syndrome; VENTRICULAR FIBRILLATION WITH PROLONGED QT INTERVAL. Identifiers: Orphanet 768, MedGen C1141890, MONDO:0019171.
Jervell and Lange-Nielsen syndrome 1 (JLNS1). Also called: CARDIOAUDITORY SYNDROME OF JERVELL AND LANGE-NIELSEN; DEAFNESS, CONGENITAL, AND FUNCTIONAL HEART DISEASE; PROLONGED QT INTERVAL IN EKG AND SUDDEN DEATH; SURDO-CARDIAC SYNDROME. Identifiers: Orphanet 768, Orphanet 90647, MedGen C4551509, MONDO:0024540, OMIM 220400.
Beckwith-Wiedemann syndrome (BWS). Also called: Exomphalos macroglossia gigantism syndrome; EMG SYNDROME. Identifiers: Orphanet 116, MedGen C0004903, MONDO:0007534, OMIM 130650.
Long QT syndrome (LQTS). Identifiers: MedGen C0023976, MeSH D008133, MONDO:0002442. Disease mechanism: loss of function. Inheritance: Various modes of inheritance.

Allele frequency attached by ClinVar (database versions not stated): TOPMed 0.00003; gnomAD exomes 0.00007 and 0.00004; gnomAD 0.00001; ExAC 0.00002.
gnomAD v4.1: 101 of 1,613,966 alleles (0.0063%); highest among the groups gnomAD compares: Non-Finnish European, 0.0081%; no homozygotes.

Submissions 1 to 6 of 26:

GeneDx
Classification: Likely pathogenic. Last evaluated: 2026-08-10. Review status: criteria provided, single submitter. Criteria: GeneDx Variant Classification Process June 2021. Collection method: clinical testing. Allele origin: germline.
Comment: Observed in multiple unrelated patients with LQTS referred for genetic testing at GeneDx and in published literature (PMID: 15840476, 23392653, 27831900, 36136372, 26669661); Observed in two unrelated families with LQTS that also harbored another pathogenic KCNQ1 variant on the opposite allele (in trans), yet two compound heterozygous individuals did not have a history of hearing loss (PMID: 23392653); Reported in individuals with Jervell-Lange Nielsen syndrome referred for genetic testing at GeneDx and in published literature (PMID: 15781747); Identified in a patient with cardiomyopathy and history of unexplained cardiac arrest but normal QTc interval; the authors suggest this is an incidental finding and the cardiac arrest is due to cardiomyopathy (PMID: 35352813); Identified postmortem in a patient with DCM and arrhythmia (PMID: 38777137); In silico analysis supports that this missense variant has a deleterious effect on protein structure/function; This variant is associated with the following publications: (PMID: 19716085, 19841300, 22949429, 25525159, 15840476, 27831900, 29197658, 30755392, 30609406, 26546361, 31447099, 22581653, 24947509, 31589614, 34135346, 33087929, 34319147, 23631430, Sanatani2022[Article], 36136372, 39036440, 20301308, 36496179, 41445606, 34404389, 36102233, 32893267, 34798354, 26669661, 23392653, 15781747, 35352813, 38777137, 24077912)

Ambry Genetics
Classification: Likely pathogenic for Cardiovascular phenotype. Last evaluated: 2026-07-15. Review status: criteria provided, single submitter. Criteria: Ambry Variant Classification Scheme 2023. Collection method: clinical testing. Allele origin: germline.
Comment: The c.1085A>G (p.K362R) alteration is located in exon 8 (coding exon 8) of the KCNQ1 gene. This alteration results from a A to G substitution at nucleotide position 1085, causing the lysine (K) at amino acid position 362 to be replaced by an arginine (R). Based on data from gnomAD, the G allele has an overall frequency of 0.004% (10/251350) total alleles studied. The highest observed frequency was 0.008% (9/113664) of European (non-Finnish) alleles. This variant was reported in the heterozygous state in individual(s) with features consistent with autosomal dominant long QT syndrome, and in the homozygous or compound heterozygous states in conjunction with other KCNQ1 variant(s) in individual(s) with features consistent with autosomal recessive long QT syndrome and autosomal recessive Jervell and Lange-Nielsen syndrome; in at least one instance, the variants were identified in trans (Darbar, 2005; Tester, 2005; Kapplinger, 2009; Kapa, 2009; Giudicessi, 2012; Giudicessi, 2013; Lieve, 2013). This variant has also been detected in the heterozygous state in individuals without known QT prolongation (eMERGE Clinical Annotation Working, 2020; Lacaze, 2021; Nafissi, 2022). This amino acid position is highly conserved in available vertebrate species. This alteration is predicted to be deleterious by in silico analysis. Based on the available evidence, this alteration is classified as likely pathogenic.

Institute of Immunology and Genetics Kaiserslautern
Classification: Likely pathogenic for Long QT syndrome 1. Last evaluated: 2026-04-17. Review status: criteria provided, single submitter. Criteria: ACMG Guidelines, 2015. Collection method: clinical testing. Allele origin: germline.
Comment: ACMG Criteria: PS3_P, PS4, PM1, PM2_P, PP3; Variant was found in heterozygous state.

Labcorp Genetics (formerly Invitae), Labcorp
Classification: Pathogenic for Long QT syndrome. Last evaluated: 2026-01-18. Review status: criteria provided, single submitter. Criteria: Invitae Variant Classification Sherloc (09022015). Collection method: clinical testing. Allele origin: germline.
Comment: This sequence change replaces lysine, which is basic and polar, with arginine, which is basic and polar, at codon 362 of the KCNQ1 protein (p.Lys362Arg). This variant is present in population databases (rs12720458, gnomAD 0.008%). This missense change has been observed in individual(s) with Jervell and Lange-Nielsen syndrome and/or long QT syndrome (PMID: 15781747, 15840476, 22949429; internal data). In at least one individual the data is consistent with being in trans (on the opposite chromosome) from a pathogenic variant. ClinVar contains an entry for this variant (Variation ID: 52953). Invitae Evidence Modeling of protein sequence and biophysical properties (such as structural, functional, and spatial information, amino acid conservation, physicochemical variation, residue mobility, and thermodynamic stability) has been performed for this missense variant. However, the output from this modeling did not meet the statistical confidence thresholds required to predict the impact of this variant on KCNQ1 protein function. Experimental studies have shown that this missense change affects KCNQ1 function (PMID: 24947509, 26546361). For these reasons, this variant has been classified as Pathogenic.

Color Diagnostics, LLC DBA Color Health
Classification: Likely pathogenic for Cardiac arrhythmia. Last evaluated: 2025-06-23. Review status: criteria provided, single submitter. Criteria: ACMG Guidelines, 2015. Collection method: clinical testing. Allele origin: germline.
Comment: This missense variant replaces lysine with arginine at codon 362 of the KCNQ1 protein. This variant is found within a highly conserved region (a.a.349-391) of the C-terminal cytoplasmic domain. Rare nontruncating variants in this region have been shown to be significantly overrepresented in individuals with long QT syndrome (PMID: 32893267). Functional studies have shown that this variant affects the potassium channel function (PMID: 24947509, 26546361). This variant has been reported in at least nine unrelated heterozygous individuals affected with or suspected of having long QT syndrome (PMID: 15840476, 19716085, 19841300, 22949429, 32893267, 34404389, 36102233, 38489124ClinVar SCV000073970.6). This variant has also been observed in an individual affected with cardiac arrest and cardiomyopathy (PMID: 35352813) and in several asymptomatic individuals as well (PMID: 23392653, 34135346, 35352813). This variant has been reported in compound heterozygous state with a pathogenic variant in the same gene in an individual affected with Jervell and Lange-Nielsen syndrome (PMID: 15781747), as well as in two unrelated individuals affected with severe, early-onset long QT syndrome (PMID: 23392653). This variant has been identified in 10/251350 chromosomes in the general population by the Genome Aggregation Database (gnomAD). Based on the available evidence, this variant is classified as Likely Pathogenic.

Clinical Genomics Laboratory, Washington University in St. Louis
Classification: Likely pathogenic for Jervell and Lange-Nielsen syndrome 1; Long QT syndrome 1. Last evaluated: 2025-06-16. Review status: criteria provided, single submitter. Criteria: ACMG Guidelines, 2015. Collection method: clinical testing. Allele origin: germline. Affected: yes.
Comment: The KCNQ1 c.1085A>G (p.Lys362Arg) variant has been reported in multiple individuals in the heterozygous or compound heterozygous state affected with long QT syndrome-1 and Jervell and Lange-Nielsen syndrome (Bains S et al., PMID: 34798354; Darbar D et al., PMID: 15781747; Giudicessi JR and Ackerman MJ, PMID: 23392653; Giudicessi JR et al., PMID: 22949429; Haverfield EV et al., PMID: 34404389; Kapa S et al., PMID: 19841300; Kapplinger JD et al., PMID: 19716085; Nafissi NA et al., PMID: 36136372; Natarajan P et al., PMID: 27831900; Tester DJ et al., PMID: 15840476). This variant is only observed on 10/251,350 alleles in the general population (gnomAD v2.1.1), indicating it is not a common variant. Computational predictors indicate that the variant is damaging, evidence that correlates with impact to KCNQ1 function. Functional studies show a shift in the voltage dependence of channel activation toward depolarization potentials, a reduction in current density, and disrupts phosphoinositide binding, indicating that this variant impacts protein function (Slaats GG et al., PMID: 36546361). This variant has been reported in the ClinVar database as a germline pathogenic variant by five submitters and as a likely pathogenic variant by 16 submitters. Based on available information and the ACMG/AMP guidelines for variant interpretation (Richards S et al., PMID: 25741868), this variant is classified as likely pathogenic.

NM_000218.3(KCNQ1):c.1085A>G (p.Lys362Arg)

Gene: KCNQ1 (potassium voltage-gated channel subfamily Q member 1; plus strand). Cytogenetic location: 11p15.5.
Variant type: single nucleotide variant.
Coding change: c.1085A>G on transcript NM_000218.3 (MANE Select); coding-DNA position 1085, A replaced by G.
Protein change: p.Lys362Arg; replaces lysine 362 with arginine.
Molecular consequence: missense variant.
Genome position (GRCh38, 1-based): chr11:2,585,264, A>G. VCF-style: chr11-2585264-A-G. GRCh37 (hg19) VCF-style: chr11-2606494-A-G.
Other names: p.K362R:AAG>AGG; c.1085A>G (LRG_287t1); c.815A>G, p.Lys272Arg (NM_001406837.1); c.704A>G, p.Lys235Arg (NM_181798.2); short protein forms K362R, K235R, K272R.
Identifiers: ClinVar variation 52953 (VCV000052953.87), dbSNP rs12720458, ClinGen allele CA005223.